The following is an entry in ClinVar:

ClinVar aggregate classification (germline): Pathogenic (1 of 4 stars; one submission).

Conditions:
Autism spectrum disorder due to AUTS2 deficiency (MRD26). Also called: INTELLECTUAL DEVELOPMENTAL DISORDER, AUTOSOMAL DOMINANT 26. Identifiers: Orphanet 352490, MedGen C4014435, MONDO:0014361, OMIM 615834.

Submission:

Genetics Laboratory, UDIAT-Centre Diagnòstic, Hospital Universitari Parc Tauli
Classification: Pathogenic for Autism spectrum disorder due to AUTS2 deficiency. Last evaluated: 2022-10-04. Review status: criteria provided, single submitter. Criteria: Parc Tauli Hospital Assertion Criteria 2021. Collection method: clinical testing. Allele origin: maternal. Inheritance: Autosomal dominant inheritance. Affected: yes.
Comment: PVS1;PM2_supporting;PP4

NM_015570.4(AUTS2):c.2218del (p.His740fs)

Gene: AUTS2 (activator of transcription and developmental regulator AUTS2; plus strand). Cytogenetic location: 7q11.22.
Variant type: Deletion.
Coding change: c.2218del on transcript NM_015570.4 (MANE Select); coding-DNA position 2218, one base deleted (C; older notation c.2218delC).
Protein change: p.His740fs; shifts the reading frame from histidine 740.
Molecular consequence: frameshift variant.
Genome position (GRCh38, 1-based): chr7:70,785,013, C deleted; the last of 3 consecutive C bases (chr7:70,785,011-70,785,013); deleting any one gives the same sequence. VCF-style (leftmost placement, unchanged base first): chr7-70785010-GC-G. GRCh37 (hg19) VCF-style: chr7-70249996-GC-G.
Other names: c.2146del, p.His716fs (NM_001127231.3); short protein forms H716fs, H740fs.
Identifiers: ClinVar variation 1708260 (VCV001708260.2), dbSNP rs2484905405, ClinGen allele CA2580077331.